The following is an entry in ClinVar:

NM_001433705.1(NLRP5):c.3426T>A (p.Asp1142Glu)

Gene: NLRP5 (NLR family pyrin domain containing 5; plus strand). Cytogenetic location: 19q13.43.
Variant type: single nucleotide variant.
Coding change: c.3426T>A on transcript NM_001433705.1 (MANE Select); coding-DNA position 3426, T replaced by A.
Protein change: p.Asp1142Glu; replaces aspartic acid 1142 with glutamic acid.
Molecular consequence: missense variant.
Genome position (GRCh38, 1-based): chr19:56,061,504, T>A. VCF-style: chr19-56061504-T-A. GRCh37 (hg19) VCF-style: chr19-56572870-T-A.
Other names: NM_153447.4:c.3579T>A; short protein forms D1142E.
Identifiers: ClinVar variation 3356693 (VCV003356693.1).
Genomic context (GRCh38, chr19:56,061,504, plus strand): 5'-AGTGCAGCTACTCAAGCCCCGAGTCGTAATTGACGGTAGTTGGCATTCTTTTGATGAAGA[T>A]GACCGGTACTGGTGGAAAAACTGAAGATACGGAAACCTGCCCCACTCACACCCATCTGAT-3'
Protein context (NP_001420634.1, residues 1132-1149): IDGSWHSFDE[Asp1142Glu]DRYWWKN

ClinVar aggregate classification (germline): Uncertain significance (0 of 4 stars; one submission).

Conditions:
NLRP5-related disorder. Also called: NLRP5-related condition.

Submission:

PreventionGenetics, part of Exact Sciences
Classification: Uncertain significance for NLRP5-related condition. Last evaluated: 2024-06-26. Review status: no assertion criteria provided. Collection method: clinical testing. Allele origin: germline.
Comment: The NLRP5 c.3579T>A variant is predicted to result in the amino acid substitution p.Asp1193Glu. To our knowledge, this variant has not been reported in the literature or in a large population database, indicating this variant is rare. At this time, the clinical significance of this variant is uncertain due to the absence of conclusive functional and genetic evidence.